The following is an entry in ClinVar:

ClinVar aggregate classification (germline): Uncertain significance (1 of 4 stars; one submission).

gnomAD v4.1: 38 of 1,516,416 alleles (0.0025%); highest among the groups gnomAD compares: Admixed American, 0.0041%; no homozygotes.

Submission:

Labcorp Genetics (formerly Invitae), Labcorp
Classification: Uncertain significance. Last evaluated: 2024-12-31. Review status: criteria provided, single submitter. Criteria: Invitae Variant Classification Sherloc (09022015). Collection method: clinical testing. Allele origin: germline.
Comment: This sequence change falls in intron 1 of the RELB gene. It does not directly change the encoded amino acid sequence of the RELB protein. It affects a nucleotide within the consensus splice site. This variant is present in population databases (no rsID available, gnomAD 0.01%). This variant has not been reported in the literature in individuals affected with RELB-related conditions. Variants that disrupt the consensus splice site are a relatively common cause of aberrant splicing (PMID: 17576681, 9536098). Algorithms developed to predict the effect of sequence changes on RNA splicing suggest that this variant is not likely to affect RNA splicing. In summary, the available evidence is currently insufficient to determine the role of this variant in disease. Therefore, it has been classified as a Variant of Uncertain Significance.

Literature cited by the submitters: PubMed 17576681; PubMed 9536098.

NM_006509.4(RELB):c.106+3A>T

Genes: RELB (RELB proto-oncogene, NF-kB subunit; plus strand), LOC130064661 (ATAC-STARR-seq lymphoblastoid silent region 10746; plus strand). Cytogenetic location: 19q13.32.
Variant type: single nucleotide variant.
Coding change: c.106+3A>T on transcript NM_006509.4 (MANE Select); 3 bases into the intron after coding-DNA position 106, A replaced by T.
Molecular consequence: intron variant.
Genome position (GRCh38, 1-based): chr19:45,001,688, A>T. VCF-style: chr19-45001688-A-T. GRCh37 (hg19) VCF-style: chr19-45504946-A-T.
Other names: c.106+3A>T (NM_001411087.1).
Identifiers: ClinVar variation 3608156 (VCV003608156.2).